The following is an entry in ClinVar:

ClinVar aggregate classification (germline): Likely benign (1 of 4 stars; one submission).

Conditions:
SEMA3D-related disorder. Also called: SEMA3D-related condition.

gnomAD v4.1: 3 of 1,614,052 alleles (0.00019%); highest among the groups gnomAD compares: Non-Finnish European, 0.00025%; no homozygotes.

Submission:

PreventionGenetics, part of Exact Sciences
Classification: Likely benign for SEMA3D-related condition. Last evaluated: 2025-07-06. Review status: criteria provided, single submitter. Criteria: ACMG Guidelines, 2015. Collection method: clinical testing. Allele origin: germline.
Comment: This variant is classified as likely benign based on ACMG/AMP sequence variant interpretation guidelines (Richards et al. 2015 PMID: 25741868, with internal and published modifications).

NM_001384900.1(SEMA3D):c.2097G>A (p.Glu699=)

Genes: SEMA3D (semaphorin 3D; minus strand), LOC126860094 (BRD4-independent group 4 enhancer GRCh37_chr7:84628763-84629962; plus strand). Cytogenetic location: 7q21.11.
Variant type: single nucleotide variant.
Coding change: c.2097G>A on transcript NM_001384900.1 (MANE Select); coding-DNA position 2097, G replaced by A.
Protein change: p.Glu699=; no amino-acid change (glutamic acid 699 retained).
Molecular consequence: synonymous variant.
Genome position (GRCh38, 1-based): chr7:84,999,677, C>T on the plus strand (G>A on the coding strand, the complement: SEMA3D is on the minus strand). VCF-style: chr7-84999677-C-T. GRCh37 (hg19) VCF-style: chr7-84628993-C-T.
Other names: c.2097G>A, p.Glu699= (NM_001384901.1, NM_001384902.1, NM_001384903.1 and 1 more transcripts).
Identifiers: ClinVar variation 5001249 (VCV005001249.1).